The following is an entry in ClinVar:

NM_170707.4(LMNA):c.3G>C (p.Met1Ile)

Gene: LMNA (lamin A/C; plus strand). Cytogenetic location: 1q22.
Variant type: single nucleotide variant.
Coding change: c.3G>C on transcript NM_170707.4 (MANE Select); coding-DNA position 3, G replaced by C.
Protein change: p.Met1Ile; changes the start codon (methionine 1).
Molecular consequence: missense variant, initiator codon variant.
Genome position (GRCh38, 1-based): chr1:156,114,921, G>C. VCF-style: chr1-156114921-G-C. GRCh37 (hg19) VCF-style: chr1-156084712-G-C.
Other names: c.3G>C, p.Met1Ile (NM_001282625.2, NM_001282626.2, NM_005572.4 and 1 more transcripts); short protein forms M1I.
Identifiers: ClinVar variation 245838 (VCV000245838.3), dbSNP rs794728598, ClinGen allele CA10584109.

ClinVar aggregate classification (germline): Pathogenic. Review status: criteria provided, single submitter (1 of 4 stars). 2 submissions from 2 submitters: Pathogenic (1). 1 of the submissions does not count toward it. Last evaluated 2017-04-28.

Submissions (2):

GeneDx
Classification: Pathogenic. Last evaluated: 2017-04-28. Review status: criteria provided, single submitter. Criteria: GeneDx Variant Classification (06012015). Collection method: clinical testing. Allele origin: germline. Affected: yes.
Comment: The c.3 G>C pathogenic variant in the LMNA gene has not been reported as a disease-causing variant or as a benign polymorphism to our knowledge. This variant alters the initiator Methionine codon, and the resultant protein would be described as p.Met1?" using a question mark to signify that it is not known if the loss of Met1 means that all protein translation is completely prevented or if an abnormal protein is produced using an alternate Met. Two variants which affect the Met1 residue have been reported in association with laminopathies (Walter M et al., 2005; van Tintelen et al., 2007). Walter et al. (2005) identified a 15bp deletion starting at c.-3 that includes the Met1 codon in a family with symptoms of Emery-Driefuss muscular dystrophy, limb girdle muscular dystrophy with atrioventricular disturbance and dilated cardiomyopathy with conduction defects. van Tintelen et al. (2007) identified a deletion of the 5' end of the LMNA gene, including exon 1 and the Met1 codon in a family presenting with severe, early onset myocardial fibrosis. Also, a different nucleotide change at the same position, c.3 G>T, has been observed in other unrelated individuals tested for DCM at GeneDx. In summary, c.3 G>C in the LMNA gene is interpreted as a disease-causing variant"

Clinical Molecular Genetics Laboratory, Johns Hopkins All Children's Hospital
Classification: Likely pathogenic. Last evaluated: 2015-10-16. Review status: no assertion criteria provided. Collection method: clinical testing. Allele origin: germline. Not counted in ClinVar's aggregate classification.